The following is an entry in ClinVar:

ClinVar aggregate classification (germline): Benign (1 of 4 stars; one submission).

Allele frequency attached by ClinVar (database versions not stated): gnomAD 0.02783 and 0.02964; 1000 Genomes Project 0.02935; 1000 Genomes Project 30x 0.03092; TOPMed 0.03183.
gnomAD v4.1: 4,202 of 152,304 alleles (2.8%); highest among the groups gnomAD compares: African/African-American, 9.1%; 190 homozygotes.

Submission:

GeneDx
Classification: Benign. Last evaluated: 2018-06-18. Review status: criteria provided, single submitter. Criteria: GeneDx Variant Classification (06012015). Collection method: clinical testing. Allele origin: germline. Affected: yes.
Comment: This variant is considered likely benign or benign based on one or more of the following criteria: it is a conservative change, it occurs at a poorly conserved position in the protein, it is predicted to be benign by multiple in silico algorithms, and/or has population frequency not consistent with disease.

NM_005476.7(GNE):c.617-298T>C

Gene: GNE (glucosamine (UDP-N-acetyl)-2-epimerase/N-acetylmannosamine kinase; minus strand). Cytogenetic location: 9p13.3.
Variant type: single nucleotide variant.
Coding change: c.617-298T>C on transcript NM_005476.7 (MANE Select); 298 bases into the intron before coding-DNA position 617, T replaced by C.
Molecular consequence: intron variant.
Genome position (GRCh38, 1-based): chr9:36,237,282, A>G on the plus strand (T>C on the coding strand, the complement: GNE is on the minus strand). VCF-style: chr9-36237282-A-G. GRCh37 (hg19) VCF-style: chr9-36237279-A-G.
Other names: c.440-298T>C (NM_001190388.2, NM_001374798.1); c.710-298T>C (NM_001128227.3); c.440-3150T>C (NM_001190384.3); c.617-3150T>C (NM_001374797.1); c.617-298T>C (NM_001190383.3).
Identifiers: ClinVar variation 673946 (VCV000673946.1), dbSNP rs16933114, ClinGen allele CA15615814.